The following is an entry in ClinVar:

ClinVar aggregate classification (germline): Uncertain significance. Review status: criteria provided, multiple submitters, no conflicts (2 of 4 stars). 2 submissions from 2 submitters: Uncertain significance (2). Last evaluated 2024-11-15.

Conditions:
Pyridoxine-dependent epilepsy (EPEO4). Also called: Pyridoxine-Dependent Epilepsy - ALDH7A1; PYRIDOXINE DEPENDENCY WITH SEIZURES; Pyridoxine-Dependent Seizures; EPILEPSY, EARLY-ONSET, 4, VITAMIN B6-DEPENDENT. Identifiers: Orphanet 3006, MedGen C1849508, MONDO:0009945, OMIM 266100. Disease mechanism: loss of function.

Allele frequency attached by ClinVar (database versions not stated): gnomAD exomes below 0.00001; TOPMed 0.00001; gnomAD 0.00002.

Submissions (2):

Blueprint Genetics
Classification: Uncertain significance. Last evaluated: 2024-11-15. Review status: criteria provided, single submitter. Criteria: ACMG Guidelines, 2015. Collection method: clinical testing. Allele origin: germline.

Labcorp Genetics (formerly Invitae), Labcorp
Classification: Uncertain significance for Pyridoxine-dependent epilepsy. Last evaluated: 2022-08-16. Review status: criteria provided, single submitter. Criteria: Invitae Variant Classification Sherloc (09022015). Collection method: clinical testing. Allele origin: germline.
Comment: This sequence change replaces aspartic acid, which is acidic and polar, with asparagine, which is neutral and polar, at codon 119 of the ALDH7A1 protein (p.Asp119Asn). This variant is not present in population databases (gnomAD no frequency). This variant has not been reported in the literature in individuals affected with ALDH7A1-related conditions. ClinVar contains an entry for this variant (Variation ID: 465328). Advanced modeling of protein sequence and biophysical properties (such as structural, functional, and spatial information, amino acid conservation, physicochemical variation, residue mobility, and thermodynamic stability) performed at Invitae indicates that this missense variant is not expected to disrupt ALDH7A1 protein function. In summary, the available evidence is currently insufficient to determine the role of this variant in disease. Therefore, it has been classified as a Variant of Uncertain Significance.

NM_001182.5(ALDH7A1):c.355G>A (p.Asp119Asn)

Gene: ALDH7A1 (aldehyde dehydrogenase 7 family member A1; minus strand). Cytogenetic location: 5q23.2.
Variant type: single nucleotide variant.
Coding change: c.355G>A on transcript NM_001182.5 (MANE Select); coding-DNA position 355, G replaced by A.
Protein change: p.Asp119Asn; replaces aspartic acid 119 with asparagine.
Molecular consequence: missense variant.
Genome position (GRCh38, 1-based): chr5:126,583,970, C>T on the plus strand (G>A on the coding strand, the complement: ALDH7A1 is on the minus strand). VCF-style: chr5-126583970-C-T. GRCh37 (hg19) VCF-style: chr5-125919662-C-T.
Other names: c.271G>A, p.Asp91Asn (NM_001201377.2); c.355G>A, p.Asp119Asn (NM_001202404.2); short protein forms D119N, D91N.
Identifiers: ClinVar variation 465328 (VCV000465328.7), dbSNP rs1212969829, ClinGen allele CA360732053.